The following is an entry in ClinVar:

NM_000064.4(C3):c.2402C>T (p.Thr801Met)

Gene: C3 (complement C3; minus strand). Cytogenetic location: 19p13.3.
Variant type: single nucleotide variant.
Coding change: c.2402C>T on transcript NM_000064.4 (MANE Select); coding-DNA position 2402, C replaced by T.
Protein change: p.Thr801Met; replaces threonine 801 with methionine.
Molecular consequence: missense variant.
Genome position (GRCh38, 1-based): chr19:6,702,165, G>A on the plus strand (C>T on the coding strand, the complement: C3 is on the minus strand). VCF-style: chr19-6702165-G-A. GRCh37 (hg19) VCF-style: chr19-6702176-G-A.
Other names: short protein forms T801M.
Identifiers: ClinVar variation 1512615 (VCV001512615.6), dbSNP rs1238701482, ClinGen allele CA403634989.

ClinVar aggregate classification (germline): Uncertain significance (1 of 4 stars; one submission).

Allele frequency attached by ClinVar (database versions not stated): gnomAD 0.00001; gnomAD exomes 0.00001; TOPMed 0.00001.
gnomAD v4.1: 22 of 1,606,788 alleles (0.0014%); highest among the groups gnomAD compares: Non-Finnish European, 0.0017%; no homozygotes.

Submission:

Labcorp Genetics (formerly Invitae), Labcorp
Classification: Uncertain significance. Last evaluated: 2021-11-06. Review status: criteria provided, single submitter. Criteria: Invitae Variant Classification Sherloc (09022015). Collection method: clinical testing. Allele origin: germline.
Comment: In summary, the available evidence is currently insufficient to determine the role of this variant in disease. Therefore, it has been classified as a Variant of Uncertain Significance. Algorithms developed to predict the effect of missense changes on protein structure and function (SIFT, PolyPhen-2, Align-GVGD) all suggest that this variant is likely to be disruptive. This variant has not been reported in the literature in individuals affected with C3-related conditions. This variant is not present in population databases (gnomAD no frequency). This sequence change replaces threonine, which is neutral and polar, with methionine, which is neutral and non-polar, at codon 801 of the C3 protein (p.Thr801Met).